The following is an entry in ClinVar:

NM_006080.3(SEMA3A):c.2053G>A (p.Gly685Ser)

Gene: SEMA3A (semaphorin 3A; minus strand). Cytogenetic location: 7q21.11.
Variant type: single nucleotide variant.
Coding change: c.2053G>A on transcript NM_006080.3 (MANE Select); coding-DNA position 2053, G replaced by A.
Protein change: p.Gly685Ser; replaces glycine 685 with serine.
Molecular consequence: missense variant.
Genome position (GRCh38, 1-based): chr7:83,961,634, C>T on the plus strand (G>A on the coding strand, the complement: SEMA3A is on the minus strand). VCF-style: chr7-83961634-C-T. GRCh37 (hg19) VCF-style: chr7-83590950-C-T.
Other names: short protein forms G685S.
Identifiers: ClinVar variation 3355199 (VCV003355199.1).
Genomic context (GRCh38, chr7:83,961,634, plus strand): 5'-CTCTGTACCAGACCTTCTGGCTAGGTGTCATGCTATTGGACATTTCTTTGGTCTTAGAGC[C>T]ATCTCCATCATCATCTTTATGAAGAAGTTCTTCCAAATGCTCTGTGTCAATGACTTCCAG-3'
Protein context (NP_006071.1, residues 675-695): ELLHKDDDGD[Gly685Ser]SKTKEMSNSM

ClinVar aggregate classification (germline): Uncertain significance (0 of 4 stars; one submission).

Conditions:
SEMA3A-related disorder. Also called: SEMA3A-related condition.

Submission:

PreventionGenetics, part of Exact Sciences
Classification: Uncertain significance for SEMA3A-related condition. Last evaluated: 2024-09-18. Review status: no assertion criteria provided. Collection method: clinical testing. Allele origin: germline.
Comment: The SEMA3A c.2053G>A variant is predicted to result in the amino acid substitution p.Gly685Ser. To our knowledge, this variant has not been reported in the literature or in a large population database, indicating this variant is rare. At this time, the clinical significance of this variant is uncertain due to the absence of conclusive functional and genetic evidence.